The following is an entry in ClinVar:

NM_000338.3(SLC12A1):c.724+583C>T

Gene: SLC12A1 (solute carrier family 12 member 1; plus strand). Cytogenetic location: 15q21.1.
Variant type: single nucleotide variant.
Coding change: c.724+583C>T on transcript NM_000338.3 (MANE Select); 583 bases into the intron after coding-DNA position 724, C replaced by T.
Molecular consequence: intron variant. On other transcripts: missense variant (1).
Genome position (GRCh38, 1-based): chr15:48,227,154, C>T. VCF-style: chr15-48227154-C-T. GRCh37 (hg19) VCF-style: chr15-48519351-C-T.
Other names: c.704C>T, p.Thr235Met (NM_001184832.2); c.724+1207C>T (NM_001384136.1); short protein forms T235M.
Identifiers: ClinVar variation 4981056 (VCV004981056.1).

ClinVar aggregate classification (germline): Uncertain significance (1 of 4 stars; one submission).

Conditions:
SLC12A1-related disorder. Also called: SLC12A1-related condition.

gnomAD v4.1: 432 of 1,550,740 alleles (0.028%); highest among the groups gnomAD compares: Non-Finnish European, 0.035%; no homozygotes.

Submission:

PreventionGenetics, part of Exact Sciences
Classification: Uncertain significance for SLC12A1-related condition. Last evaluated: 2025-07-31. Review status: criteria provided, single submitter. Criteria: ACMG Guidelines, 2015. Collection method: clinical testing. Allele origin: germline.
Comment: The SLC12A1 c.704C>T variant is predicted to result in the amino acid substitution p.Thr235Met. To our knowledge, this variant has not been reported in the literature. This variant is reported in 0.020% of alleles in individuals of European (non-Finnish) descent in gnomAD. At this time, the clinical significance of this variant is uncertain due to the absence of conclusive functional and genetic evidence.